The following is an entry in ClinVar:

ClinVar aggregate classification (germline): Likely benign (0 of 4 stars; one submission).

Conditions:
AKR1D1-related disorder. Also called: AKR1D1-related condition.

Submission:

PreventionGenetics, part of Exact Sciences
Classification: Likely benign for AKR1D1-related condition. Last evaluated: 2019-08-15. Review status: no assertion criteria provided. Collection method: clinical testing. Allele origin: germline.
Comment: This variant is classified as likely benign based on ACMG/AMP sequence variant interpretation guidelines (Richards et al. 2015 PMID: 25741868, with internal and published modifications).

NM_005989.4(AKR1D1):c.379-7_379-4del

Gene: AKR1D1 (aldo-keto reductase family 1 member D1; plus strand). Cytogenetic location: 7q33.
Variant type: Deletion.
Coding change: c.379-7_379-4del on transcript NM_005989.4 (MANE Select); 7 bases into the intron before coding-DNA position 379 through 4 bases into the intron before coding-DNA position 379, 4 bases deleted (TTTT; older notation c.379-7_379-4delTTTT).
Molecular consequence: intron variant.
Genome position (GRCh38, 1-based): chr7:138,097,859-138,097,862, TTTT deleted; deleting any 4 consecutive bases within chr7:138,097,848-138,097,862 gives the same sequence; the c. name uses the placement nearest the transcript's 3' end. VCF-style (leftmost placement, unchanged base first): chr7-138097847-CTTTT-C. GRCh37 (hg19) VCF-style: chr7-137782593-CTTTT-C.
Other names: c.379-7_379-4del (NM_001190907.2, NM_001190906.2).
Identifiers: ClinVar variation 3052541 (VCV003052541.2), dbSNP rs35402657, ClinGen allele CA4502676.